The following is an entry in ClinVar:

NM_000318.3(PEX2):c.369del (p.Leu123fs)

Gene: PEX2 (peroxisomal biogenesis factor 2; minus strand). Cytogenetic location: 8q21.13.
Variant type: Deletion.
Coding change: c.369del on transcript NM_000318.3 (MANE Select); coding-DNA position 369, one base deleted (G; older notation c.369delG).
Protein change: p.Leu123fs; shifts the reading frame from leucine 123.
Molecular consequence: frameshift variant.
Genome position (GRCh38, 1-based): chr8:76,983,810, C deleted on the plus strand (G on the coding strand, the reverse complement: PEX2 is on the minus strand). VCF-style (leftmost placement, unchanged base first): chr8-76983809-AC-A. GRCh37 (hg19) VCF-style: chr8-77896045-AC-A.
Other names: c.369del, p.Leu123fs (NM_001079867.2, NM_001172086.2, NM_001172087.2); short protein forms L123fs.
Identifiers: ClinVar variation 2692693 (VCV002692693.3), dbSNP rs1335606950, ClinGen allele CA855437040.
Genomic context (GRCh38, chr8:76,983,809, plus strand): 5'-CAATCACAAAATTCACACACTGCTTGACTTTCCCAAATGATGCTAAATGATGGTTTCGAA[AC>A]AAATCATAGCATCGTTCTTCTAACCACCTGCCACCAATTGTACAAACAGCATACCAGATT-3'

ClinVar aggregate classification (germline): Pathogenic (1 of 4 stars; one submission).

Conditions:
Peroxisome biogenesis disorder 5A (Zellweger) (PBD5A). Identifiers: Orphanet 912, MedGen C3553940, MONDO:0013932, OMIM 614866.

Allele frequency attached by ClinVar (database versions not stated): gnomAD exomes below 0.00001; TOPMed below 0.00001.

Submission:

Labcorp Genetics (formerly Invitae), Labcorp
Classification: Pathogenic for Peroxisome biogenesis disorder 5A (Zellweger). Last evaluated: 2023-11-02. Review status: criteria provided, single submitter. Criteria: Invitae Variant Classification Sherloc (09022015). Collection method: clinical testing. Allele origin: germline.
Comment: This sequence change creates a premature translational stop signal (p.Leu123Phefs*7) in the PEX2 gene. While this is not anticipated to result in nonsense mediated decay, it is expected to disrupt the last 183 amino acid(s) of the PEX2 protein. This variant is not present in population databases (gnomAD no frequency). This variant has not been reported in the literature in individuals affected with PEX2-related conditions. This variant disrupts a region of the PEX2 protein in which other variant(s) (p.Arg125*) have been determined to be pathogenic (PMID: 10528859, 10652207, 14630978, 17041890). This suggests that this is a clinically significant region of the protein, and that variants that disrupt it are likely to be disease-causing. For these reasons, this variant has been classified as Pathogenic.

Literature cited by the submitters: PubMed 10528859; PubMed 10652207; PubMed 14630978; PubMed 17041890.